The following is an entry in ClinVar:

ClinVar aggregate classification (germline): Uncertain significance (1 of 4 stars; one submission).

Conditions:
Inborn genetic diseases. Identifiers: MedGen C0950123, MeSH D030342.

gnomAD v4.1: 3 of 1,612,592 alleles (0.00019%); highest among the groups gnomAD compares: Non-Finnish European, 0.00025%; no homozygotes.

Submission:

Ambry Genetics
Classification: Uncertain significance for Inborn genetic diseases. Last evaluated: 2025-05-02. Review status: criteria provided, single submitter. Criteria: Ambry Variant Classification Scheme 2023. Collection method: clinical testing. Allele origin: germline.
Comment: The p.A1240V variant (also known as c.3719C>T), located in coding exon 25 of the ANKRD26 gene, results from a C to T substitution at nucleotide position 3719. The alanine at codon 1240 is replaced by valine, an amino acid with similar properties. This amino acid position is conserved. In addition, this alteration is predicted to be tolerated by in silico analysis. Based on the available evidence, the clinical significance of this variant remains unclear.

NM_014915.3(ANKRD26):c.3719C>T (p.Ala1240Val)

Gene: ANKRD26 (ankyrin repeat domain containing 26; minus strand). Cytogenetic location: 10p12.1.
Variant type: single nucleotide variant.
Coding change: c.3719C>T on transcript NM_014915.3 (MANE Select); coding-DNA position 3719, C replaced by T.
Protein change: p.Ala1240Val; replaces alanine 1240 with valine.
Molecular consequence: missense variant.
Genome position (GRCh38, 1-based): chr10:27,033,313, G>A on the plus strand (C>T on the coding strand, the complement: ANKRD26 is on the minus strand). VCF-style: chr10-27033313-G-A. GRCh37 (hg19) VCF-style: chr10-27322242-G-A.
Other names: c.3716C>T, p.Ala1239Val (NM_001256053.2); short protein forms A1240V, A1239V.
Identifiers: ClinVar variation 3914045 (VCV003914045.1).
Genomic context (GRCh38, chr10:27,033,313, plus strand): 5'-TTTAAATCCTGTGTCTCATCTTCTAAATTAATACGATAACGTGACGTAACCTCCAGTGAA[G>A]CCTCTGACATAGATTGTTTTTTTAGGGTATCAGCTAGTTCTTGTTGAAGTTGTCTCACAA-3'
Protein context (NP_055730.2, residues 1230-1250): DTLKKQSMSE[Ala1240Val]SLEVTSRYRI